The following is an entry in ClinVar:

NC_000013.11:g.(?_32362503)_(32398790_?)del

Genes: BRCA2 (BRCA2 DNA repair associated; plus strand), LOC112163653 (Sharpr-MPRA regulatory region 1962; plus strand), LOC130009524 (ATAC-STARR-seq lymphoblastoid active region 7555; plus strand). Cytogenetic location: 13q13.1.
Variant type: Deletion.
Identifiers: ClinVar variation 643716 (VCV000643716.1).

ClinVar aggregate classification (germline): Pathogenic (1 of 4 stars; one submission).

Conditions:
Hereditary breast ovarian cancer syndrome. Also called: Hereditary breast and ovarian cancer; Hereditary breast and ovarian cancer syndrome; Hereditary breast and ovarian cancer syndrome (HBOC); Hereditary breast and/or ovarian cancer syndrome; Breast and ovarian cancer; BRCA1- and BRCA2-Associated Hereditary Breast and Ovarian Cancer. Identifiers: Orphanet 145, MedGen C0677776, MeSH D061325, MONDO:0003582. Disease mechanism: loss of function.

Submission:

Labcorp Genetics (formerly Invitae), Labcorp
Classification: Pathogenic for Hereditary breast and ovarian cancer syndrome. Last evaluated: 2018-07-27. Review status: criteria provided, single submitter. Criteria: Invitae Variant Classification Sherloc (09022015). Collection method: clinical testing. Allele origin: germline.
Comment: This variant is a gross deletion of the genomic region encompassing exons 17-27 of the BRCA2 gene. The 5' boundary is likely confined to intron 16. The 3' end of this event is unknown as it extends through the termination codon beyond the assayed region for this gene and may encompass additional genes. While this deletion is not anticipated to result in nonsense mediated decay, it is expected to create a truncated protein product or disrupt mRNA translation. This variant has not been reported in the literature in individuals with BRCA2-related disease. This variant is expected to delete a portion of the C-terminal region of the BRCA2 protein containing the RAD51-binding domain (residues Ala3270-Gly3305) (PMID: 17515903). Although experimental studies have not been performed for this particular variant, BRCA2 interaction with RAD51 mediates homologous recombination during the repair of double-strand DNA breaks (PMID: 17515903). In addition, deletion of exons 26-27 of BRCA2, as well as truncating variants (p.Tyr3225Ilefs*30,Â¬â€ p.Tyr3308*) located in the last exon have been determined to be pathogenic (PMID:Â¬â€ 12065746,Â¬â€ 17026620, 18593900, 18607349, 22711857, Invitae). This suggests that deletion of this region of the BRCA2 protein is causative of disease. For these reasons, this variant has been classified as Pathogenic.

Literature cited by the submitters: PubMed 17515903.